The following is an entry in ClinVar:

NM_001142800.2(EYS):c.344T>C (p.Val115Ala)

Gene: EYS (eyes shut homolog; minus strand). Cytogenetic location: 6q12.
Variant type: single nucleotide variant.
Coding change: c.344T>C on transcript NM_001142800.2 (MANE Select); coding-DNA position 344, T replaced by C.
Protein change: p.Val115Ala; replaces valine 115 with alanine.
Molecular consequence: missense variant.
Genome position (GRCh38, 1-based): chr6:65,495,067, A>G on the plus strand (T>C on the coding strand, the complement: EYS is on the minus strand). VCF-style: chr6-65495067-A-G. GRCh37 (hg19) VCF-style: chr6-66204960-A-G.
Other names: c.344T>C, p.Val115Ala (NM_001292009.2, NM_198283.2, NM_001142801.2); short protein forms V115A.
Identifiers: ClinVar variation 1988361 (VCV001988361.1), dbSNP rs1052079286, ClinGen allele CA140434971.
Genomic context (GRCh38, chr6:65,495,067, plus strand): 5'-GTGTGCATTCCTTTTAGTCTGCAGCCAAAAAGTAACTGATCTTCCGTTGTGGTATTTTGC[A>G]CACAGCCAACGAAAGATGTTTCAGAAACATTCATCAAATTTATTTCTGGAAATTGAAGAG-3'
Protein context (NP_001136272.1, residues 105-125): NVSETSFVGC[Val115Ala]QNTTTEDQLL

ClinVar aggregate classification (germline): Uncertain significance (1 of 4 stars; one submission).

Allele frequency attached by ClinVar (database versions not stated): TOPMed below 0.00001; gnomAD 0.00001; gnomAD exomes 0.00001.
gnomAD v4.1: 9 of 1,614,098 alleles (0.00056%); highest among the groups gnomAD compares: Middle Eastern, 0.016%; no homozygotes.

Submission:

Labcorp Genetics (formerly Invitae), Labcorp
Classification: Uncertain significance. Last evaluated: 2021-09-17. Review status: criteria provided, single submitter. Criteria: Invitae Variant Classification Sherloc (09022015). Collection method: clinical testing. Allele origin: germline.
Comment: This sequence change replaces valine with alanine at codon 115 of the EYS protein (p.Val115Ala). The valine residue is weakly conserved and there is a small physicochemical difference between valine and alanine. This variant is not present in population databases (ExAC no frequency). This variant has not been reported in the literature in individuals with EYS-related conditions. Algorithms developed to predict the effect of missense changes on protein structure and function (SIFT, PolyPhen-2, Align-GVGD) all suggest that this variant is likely to be tolerated, but these predictions have not been confirmed by published functional studies and their clinical significance is uncertain. In summary, the available evidence is currently insufficient to determine the role of this variant in disease. Therefore, it has been classified as a Variant of Uncertain Significance.